The following is an entry in ClinVar:

ClinVar aggregate classification (germline): Uncertain significance (1 of 4 stars; one submission).

Submission:

Labcorp Genetics (formerly Invitae), Labcorp
Classification: Uncertain significance. Last evaluated: 2022-03-20. Review status: criteria provided, single submitter. Criteria: Invitae Variant Classification Sherloc (09022015). Collection method: clinical testing. Allele origin: germline.
Comment: In summary, the available evidence is currently insufficient to determine the role of this variant in disease. Therefore, it has been classified as a Variant of Uncertain Significance. Experimental studies and prediction algorithms are not available or were not evaluated, and the functional significance of this variant is currently unknown. This variant has not been reported in the literature in individuals affected with KIZ-related conditions. This variant is not present in population databases (gnomAD no frequency). This sequence change replaces arginine, which is basic and polar, with lysine, which is basic and polar, at codon 488 of the KIZ protein (p.Arg488Lys).

NM_018474.6(KIZ):c.1463G>A (p.Arg488Lys)

Genes: KIZ (kizuna centrosomal protein; plus strand), KIZ-AS1 (KIZ antisense RNA 1; minus strand). Cytogenetic location: 20p11.23.
Variant type: single nucleotide variant.
Coding change: c.1463G>A on transcript NM_018474.6 (MANE Select); coding-DNA position 1463, G replaced by A.
Protein change: p.Arg488Lys; replaces arginine 488 with lysine.
Molecular consequence: missense variant.
Genome position (GRCh38, 1-based): chr20:21,214,551, G>A. VCF-style: chr20-21214551-G-A. GRCh37 (hg19) VCF-style: chr20-21195189-G-A.
Other names: c.1154G>A, p.Arg385Lys (NM_001163022.3); c.1064G>A, p.Arg355Lys (NM_001163023.3); c.1316G>A, p.Arg439Lys (NM_001276389.2); c.1409G>A, p.Arg470Lys (NM_001352434.2); c.1100G>A, p.Arg367Lys (NM_001352435.2); c.1121G>A, p.Arg374Lys (NM_001352436.2); short protein forms R367K, R439K, R470K, R488K, R355K, R385K, R374K.
Identifiers: ClinVar variation 1486116 (VCV001486116.6), dbSNP rs1821197928, ClinGen allele CA408490598.